The following is an entry in ClinVar:

NM_152419.3(HGSNAT):c.338T>C (p.Leu113Pro)

Gene: HGSNAT (heparan-alpha-glucosaminide N-acetyltransferase; plus strand). Cytogenetic location: 8p11.21.
Variant type: single nucleotide variant.
Coding change: c.338T>C on transcript NM_152419.3 (MANE Select); coding-DNA position 338, T replaced by C.
Protein change: p.Leu113Pro; replaces leucine 113 with proline.
Molecular consequence: missense variant. On other transcripts: 5 prime UTR variant (1).
Genome position (GRCh38, 1-based): chr8:43,158,678, T>C. VCF-style: chr8-43158678-T-C. GRCh37 (hg19) VCF-style: chr8-43013821-T-C.
Other names: c.338T>C, p.Leu113Pro (NM_001363227.2, NM_001363228.2); c.-496T>C (NM_001363229.2); short protein forms L113P.
Identifiers: ClinVar variation 552118 (VCV000552118.7), dbSNP rs765211666, ClinGen allele CA4736485.

ClinVar aggregate classification (germline): Uncertain significance. Review status: criteria provided, single submitter (1 of 4 stars). 2 submissions from 2 submitters: Uncertain significance (1). 1 of the submissions does not count toward it. Last evaluated 2021-08-26.

Conditions:
Mucopolysaccharidosis, MPS-III-C (MPS3C). Also called: SANFILIPPO SYNDROME C; MPS III C; MUCOPOLYSACCHARIDOSIS, TYPE IIIC; Mucopolysaccharidosis type IIIC (Sanfilippo C); MPS IIIC (Sanfilippo Syndrome Type C); mucopolysaccharidosis type 3C. Identifiers: Orphanet 581, Orphanet 79271, MedGen C0086649, MONDO:0009657, OMIM 252930.
Retinitis pigmentosa 73 (RP73). Identifiers: Orphanet 791, MedGen C4225287, MONDO:0014687, OMIM 616544.

Allele frequency attached by ClinVar (database versions not stated): gnomAD exomes below 0.00001 and 0.00001; ExAC 0.00002.
gnomAD v4.1: 4 of 1,611,458 alleles (0.00025%); highest among the groups gnomAD compares: Non-Finnish European, 0.00034%; no homozygotes.

Submissions (2):

Labcorp Genetics (formerly Invitae), Labcorp
Classification: Uncertain significance for Retinitis pigmentosa 73; Mucopolysaccharidosis, MPS-III-C. Last evaluated: 2021-08-26. Review status: criteria provided, single submitter. Criteria: Invitae Variant Classification Sherloc (09022015). Collection method: clinical testing. Allele origin: germline.
Comment: This sequence change replaces leucine with proline at codon 113 of the HGSNAT protein (p.Leu113Pro). The leucine residue is weakly conserved and there is a moderate physicochemical difference between leucine and proline. This variant is present in population databases (rs765211666, ExAC 0.004%). This missense change has been observed in individual(s) with mucopolysaccharidosis type IIIC (PMID: 20825431). ClinVar contains an entry for this variant (Variation ID: 552118). Algorithms developed to predict the effect of missense changes on protein structure and function are either unavailable or do not agree on the potential impact of this missense change (SIFT: "Deleterious"; PolyPhen-2: "Benign"; Align-GVGD: "Class C0"). In summary, the available evidence is currently insufficient to determine the role of this variant in disease. Therefore, it has been classified as a Variant of Uncertain Significance.

Counsyl
Classification: Uncertain significance for Mucopolysaccharidosis, MPS-III-C. Last evaluated: 2017-05-23. Review status: no assertion criteria provided. Collection method: clinical testing. Allele origin: unknown. Not counted in ClinVar's aggregate classification.

Literature cited by the submitters: PubMed 20825431 (cited by Labcorp Genetics (formerly Invitae), Labcorp and Counsyl).